The following is an entry in ClinVar:

ClinVar aggregate classification (germline): Conflicting classifications of pathogenicity. Review status: criteria provided, conflicting classifications (1 of 4 stars). 7 submissions from 7 submitters: Uncertain significance (1); Benign (4); Likely benign (2). Last evaluated 2026-04-01.

Conditions:
CHARGE syndrome (CHARGE). Also called: Coloboma, heart anomaly, choanal atresia, retardation, genital and ear anomalies; CHARGE association; Hall-Hittner syndrome; CHARGE ASSOCIATION--COLOBOMA, HEART ANOMALY, CHOANAL ATRESIA, RETARDATION, GENITAL AND EAR ANOMALIES; Hittner Hirsch Kreh syndrome. Identifiers: Orphanet 138, MedGen C0265354, MONDO:0008965.

Allele frequency attached by ClinVar (database versions not stated): 1000 Genomes Project 0.00080; ESP Exome Variant Server 0.00134; gnomAD 0.00146 and 0.00153; TOPMed 0.00147; ExAC 0.00039; 1000 Genomes Project 30x 0.00078.
gnomAD v4.1: 404 of 1,613,892 alleles (0.025%); highest among the groups gnomAD compares: African/African-American, 0.47%; 1 homozygote.

Submissions (7):

CeGaT Center for Human Genetics Tuebingen
Classification: Likely benign. Last evaluated: 2026-04-01. Review status: criteria provided, single submitter. Criteria: CeGaT Center For Human Genetics Tuebingen Variant Classification Criteria Version 2. Collection method: clinical testing. Allele origin: germline. Affected: yes. Observed: 2 variant alleles.
Comment: CHD7: BS1

Labcorp Genetics (formerly Invitae), Labcorp
Classification: Benign for CHARGE syndrome. Last evaluated: 2026-01-26. Review status: criteria provided, single submitter. Criteria: Invitae Variant Classification Sherloc (09022015). Collection method: clinical testing. Allele origin: germline.

Blueprint Genetics
Classification: Likely benign. Last evaluated: 2024-11-08. Review status: criteria provided, single submitter. Criteria: ACMG Guidelines, 2015. Collection method: clinical testing. Allele origin: germline.

GeneDx
Classification: Benign. Last evaluated: 2021-03-17. Review status: criteria provided, single submitter. Criteria: GeneDx Variant Classification Process June 2021. Collection method: clinical testing. Allele origin: germline. Affected: yes.
Comment: This variant is associated with the following publications: (PMID: 25107291)

Genetic Services Laboratory, University of Chicago
Classification: Benign. Last evaluated: 2019-02-18. Review status: criteria provided, single submitter. Criteria: ACMG Guidelines, 2015. Collection method: clinical testing. Allele origin: germline. Affected: no.

Center for Human Genetics, Inc
Classification: Uncertain significance for CHARGE syndrome. Last evaluated: 2016-11-01. Review status: criteria provided, single submitter. Criteria: ACMG Guidelines, 2015. Collection method: clinical testing. Allele origin: germline. Affected: yes.

Eurofins Ntd Llc (ga)
Classification: Benign. Last evaluated: 2014-06-05. Review status: criteria provided, single submitter. Criteria: EGL Classification Definitions 2015. Collection method: clinical testing. Allele origin: germline. Observed: 1 variant allele, 1 heterozygote.

NM_017780.4(CHD7):c.712G>A (p.Val238Met)

Gene: CHD7 (chromodomain helicase DNA binding protein 7; plus strand). Cytogenetic location: 8q12.2.
Variant type: single nucleotide variant.
Coding change: c.712G>A on transcript NM_017780.4 (MANE Select); coding-DNA position 712, G replaced by A.
Protein change: p.Val238Met; replaces valine 238 with methionine.
Molecular consequence: missense variant.
Genome position (GRCh38, 1-based): chr8:60,742,144, G>A. VCF-style: chr8-60742144-G-A. GRCh37 (hg19) VCF-style: chr8-61654703-G-A.
Other names: c.712G>A, p.Val238Met (NM_001316690.1); short protein forms V238M.
Identifiers: ClinVar variation 195326 (VCV000195326.39), dbSNP rs200898742, ClinGen allele CA201666.
Genomic context (GRCh38, chr8:60,742,144, plus strand): 5'-GAGGGCCTCAATCAGGGAAATCCTTTTATTGCCACCTCAGGACCTGGCCACTTGTCCCAC[G>A]TGCCCCAGCAGAGTCCCAGCATGGCACCTTCCTTGCGTCACTCGGTGCAGCAGTTCCATC-3'
Protein context (NP_060250.2, residues 228-248): ATSGPGHLSH[Val238Met]PQQSPSMAPS